The following is an entry in ClinVar:

NM_000719.7(CACNA1C):c.5996C>T (p.Thr1999Ile)

Genes: CACNA1C-AS1 (CACNA1C antisense RNA 1; minus strand), CACNA1C (calcium voltage-gated channel subunit alpha1 C; plus strand). Cytogenetic location: 12p13.33.
Variant type: single nucleotide variant.
Coding change: c.5996C>T on transcript NM_000719.7 (MANE Select); coding-DNA position 5996, C replaced by T.
Protein change: p.Thr1999Ile; replaces threonine 1999 with isoleucine.
Molecular consequence: missense variant.
Genome position (GRCh38, 1-based): chr12:2,688,658, C>T. VCF-style: chr12-2688658-C-T. GRCh37 (hg19) VCF-style: chr12-2797824-C-T.
Other names: c.6140C>T, p.Thr2047Ile (NM_001129827.2); c.6119C>T, p.Thr2040Ile (NM_001129829.2); c.6101C>T, p.Thr2034Ile (NM_001129830.3, NM_001167624.3); c.6080C>T, p.Thr2027Ile (NM_001129831.2); c.6056C>T, p.Thr2019Ile (NM_001129832.2); c.6053C>T, p.Thr2018Ile (NM_001129833.2, NM_001129834.2, NM_001129835.2); c.6047C>T, p.Thr2016Ile (NM_001129836.2); c.6020C>T, p.Thr2007Ile (NM_001129837.2, NM_001129838.2); and 7 more; short protein forms T1999I, T2034I, T2047I, T2007I, T2016I, T2019I, T2040I, T1988I.
Identifiers: ClinVar variation 238176 (VCV000238176.19), dbSNP rs532551057, ClinGen allele CA6390043.
Genomic context (GRCh38, chr12:2,688,658, plus strand): 5'-CCAGTGAGAAACTCAACAGCAGCTTCCCATCCATCCACTGCGGCTCCTGGGCTGAGACCA[C>T]CCCCGGTGGCGGGGGCAGCAGCGCCGCCCGGAGAGTCCGGCCCGTCTCCCTCATGGTGCC-3'
Protein context (NP_000710.5, residues 1989-2009): SIHCGSWAET[Thr1999Ile]PGGGGSSAAR

ClinVar aggregate classification (germline): Conflicting classifications of pathogenicity. Review status: criteria provided, conflicting classifications (1 of 4 stars). 6 submissions from 6 submitters: Uncertain significance (3); Benign (1); Likely benign (2). Last evaluated 2025-10-27.

Conditions:
Brugada syndrome 3 (BRGDA3). Identifiers: Orphanet 130, MedGen C2678478, MONDO:0012742, OMIM 611875.
Timothy syndrome (TS). Also called: LONG QT SYNDROME WITH SYNDACTYLY. Identifiers: Orphanet 65283, MedGen C1832916, MeSH C536962, MONDO:0010979, OMIM 601005.
Long QT syndrome 8. Identifiers: MedGen CN260585, MONDO:0032756, OMIM 618447.
Cardiovascular phenotype. Identifiers: MedGen CN230736.
Long QT syndrome (LQTS). Identifiers: MedGen C0023976, MeSH D008133, MONDO:0002442. Disease mechanism: loss of function. Inheritance: Various modes of inheritance.

Allele frequency attached by ClinVar (database versions not stated): gnomAD 0.00002 and 0.00005; ExAC 0.00003; gnomAD exomes 0.00003 and 0.00006; TOPMed 0.00006; 1000 Genomes Project 30x 0.00016; 1000 Genomes Project 0.00040.
gnomAD v4.1: 60 of 1,613,636 alleles (0.0037%); highest among the groups gnomAD compares: Middle Eastern, 0.033%; no homozygotes.

Submissions (6):

Labcorp Genetics (formerly Invitae), Labcorp
Classification: Likely benign for Long QT syndrome. Last evaluated: 2025-10-27. Review status: criteria provided, single submitter. Criteria: Invitae Variant Classification Sherloc (09022015). Collection method: clinical testing. Allele origin: germline.

Ambry Genetics
Classification: Benign for Cardiovascular phenotype. Last evaluated: 2024-07-06. Review status: criteria provided, single submitter. Criteria: Ambry Variant Classification Scheme 2023. Collection method: clinical testing. Allele origin: germline.

KardioGenetik, Herz- und Diabeteszentrum NRW
Classification: Uncertain significance for Long QT syndrome 8. Last evaluated: 2024-02-15. Review status: criteria provided, single submitter. Criteria: ACMG Guidelines, 2015. Collection method: clinical testing. Allele origin: unknown. Observed: 1 variant allele.
Comment: PVS1, PM2supp

Blueprint Genetics
Classification: Likely benign. Last evaluated: 2023-04-17. Review status: criteria provided, single submitter. Criteria: ACMG Guidelines, 2015. Collection method: clinical testing. Allele origin: germline.

Fulgent Genetics
Classification: Uncertain significance for Timothy syndrome; Brugada syndrome 3; Long QT syndrome 8. Last evaluated: 2021-10-29. Review status: criteria provided, single submitter. Criteria: ACMG Guidelines, 2015. Collection method: clinical testing. Allele origin: unknown.

Neuberg Centre For Genomic Medicine, NCGM
Classification: Uncertain significance for Long QT syndrome 8. Review status: criteria provided, single submitter. Criteria: ACMG Guidelines, 2015. Collection method: clinical testing. Allele origin: germline. Inheritance: Autosomal dominant inheritance. Affected: yes.
Comment: The missense variant c.6245C>T (p.Thr2082Ile) in CACNA1C gene has been submitted to ClinVar as a Variant of Uncertain Significance, but no details are available for independent assessment. It has not been reported in affected individuals. The p.Thr2082Ile variant is reported with the allele frequency (0.005%) in the gnomAD Exomes and is novel (not in any individuals) in 1000 Genomes. The amino acid Thr at position 2082 is changed to a Ile changing protein sequence and it might alter its composition and physico-chemical properties. In silico tools predict the variant to be tolerated. The residue is conserved across species. The amino acid change p.Thr2082Ile in CACNA1C is predicted as conserved by GERP++ and PhyloP across 100 vertebrates. For these reasons, this variant has been classified as Variant of Uncertain Significance (VUS)